The following is an entry in ClinVar:

NM_032588.4(TRIM63):c.885G>A (p.Leu295=)

Gene: TRIM63 (tripartite motif containing 63; minus strand). Cytogenetic location: 1p36.11.
Variant type: single nucleotide variant.
Coding change: c.885G>A on transcript NM_032588.4 (MANE Select); coding-DNA position 885, G replaced by A.
Protein change: p.Leu295=; no amino-acid change (leucine 295 retained).
Molecular consequence: synonymous variant.
Genome position (GRCh38, 1-based): chr1:26,057,297, C>T on the plus strand (G>A on the coding strand, the complement: TRIM63 is on the minus strand). VCF-style: chr1-26057297-C-T. GRCh37 (hg19) VCF-style: chr1-26383788-C-T.
Identifiers: ClinVar variation 4984725 (VCV004984725.1).

ClinVar aggregate classification (germline): Likely benign (1 of 4 stars; one submission).

Conditions:
TRIM63-related disorder. Also called: TRIM63-related condition.

Submission:

PreventionGenetics, part of Exact Sciences
Classification: Likely benign for TRIM63-related condition. Last evaluated: 2026-06-03. Review status: criteria provided, single submitter. Criteria: ACMG Guidelines, 2015. Collection method: clinical testing. Allele origin: germline.
Comment: This variant is classified as likely benign based on ACMG/AMP sequence variant interpretation guidelines (Richards et al. 2015 PMID: 25741868, with internal and published modifications).